The following is an entry in ClinVar:

NM_002528.7(NTHL1):c.418dup (p.Ala140fs)

Gene: NTHL1 (nth like DNA glycosylase 1; minus strand). Cytogenetic location: 16p13.3.
Variant type: Duplication.
Coding change: c.418dup on transcript NM_002528.7 (MANE Select); coding-DNA position 418, one base duplicated (G; older notation c.418dupG).
Protein change: p.Ala140fs; shifts the reading frame from alanine 140.
Molecular consequence: frameshift variant. On other transcripts: intron variant (1).
Genome position (GRCh38, 1-based): chr16:2,044,737, C duplicated on the plus strand (G on the coding strand, the reverse complement: NTHL1 is on the minus strand); the first of 2 consecutive C bases (chr16:2,044,737-2,044,738); duplicating either gives the same sequence. VCF-style (leftmost placement, unchanged base first): chr16-2044736-G-GC. GRCh37 (hg19) VCF-style: chr16-2094737-G-GC.
Other names: c.88dup, p.Ala30fs (NM_001318194.2); c.355-1011dup (NM_001318193.2); c.442dupG (NM_002528.5); short protein forms A140fs, A30fs.
Identifiers: ClinVar variation 1415037 (VCV001415037.7), dbSNP rs2150942398, ClinGen allele CA2573151802.
Genomic context (GRCh38, chr16:2,044,736, plus strand): 5'-TCTGTCTGCAGGATGCTGTCCACCGTCAGGCCCCGCGCCCGCAGTCGCTGCATGGCGCCC[G>GC]CCGTCACCTGGTCTTTGGTTTGGCTGGAGAGCATCAGTGACAGCAGCACCTGGTACCTGC-3'

ClinVar aggregate classification (germline): Pathogenic. Review status: criteria provided, multiple submitters, no conflicts (2 of 4 stars). 3 submissions from 3 submitters: Pathogenic (3). Last evaluated 2023-12-20.

Conditions:
Familial adenomatous polyposis 3. Also called: NTHL1-related attenuated familial adenomatous polyposis; NTHL1 Tumor Syndrome; NTHL1-associated polyposis; NTHL1-Related Adenomatous Polyposis and Colorectal Cancer. Identifiers: Orphanet 220460, Orphanet 454840, MedGen C4225157, MONDO:0014630, OMIM 616415.
Hereditary cancer-predisposing syndrome. Also called: Hereditary Cancer Syndrome; Neoplastic Syndromes, Hereditary; Hereditary neoplastic syndrome; Tumor predisposition. Identifiers: Orphanet 140162, MedGen C0027672, MeSH D009386, MONDO:0015356.

Submissions (3):

Myriad Genetics, Inc.
Classification: Pathogenic for Familial adenomatous polyposis 3. Last evaluated: 2023-12-20. Review status: criteria provided, single submitter. Criteria: Myriad Autosomal Dominant, Autosomal Recessive and X-Linked Classification Criteria (2023). Collection method: clinical testing. Allele origin: unknown.
Comment: This variant is considered pathogenic. This variant creates a frameshift predicted to result in premature protein truncation.

Ambry Genetics
Classification: Pathogenic for Hereditary cancer-predisposing syndrome. Last evaluated: 2023-09-20. Review status: criteria provided, single submitter. Criteria: Ambry Variant Classification Scheme 2023. Collection method: clinical testing. Allele origin: germline.
Comment: The c.442dupG pathogenic mutation, located in coding exon 3 of the NTHL1 gene, results from a duplication of G at nucleotide position 442, causing a translational frameshift with a predicted alternate stop codon (p.A148Gfs*22). This alteration is expected to result in loss of function by premature protein truncation or nonsense-mediated mRNA decay. As such, this alteration is interpreted as a disease-causing mutation.

Labcorp Genetics (formerly Invitae), Labcorp
Classification: Pathogenic. Last evaluated: 2023-03-17. Review status: criteria provided, single submitter. Criteria: Invitae Variant Classification Sherloc (09022015). Collection method: clinical testing. Allele origin: germline.
Comment: This sequence change creates a premature translational stop signal (p.Ala148Glyfs*22) in the NTHL1 gene. It is expected to result in an absent or disrupted protein product. Loss-of-function variants in NTHL1 are known to be pathogenic (PMID: 25938944, 26559593). This variant is not present in population databases (gnomAD no frequency). This variant has not been reported in the literature in individuals affected with NTHL1-related conditions. ClinVar contains an entry for this variant (Variation ID: 1415037). For these reasons, this variant has been classified as Pathogenic.

Literature cited by the submitters: PubMed 25938944 (cited by Labcorp Genetics (formerly Invitae), Labcorp); PubMed 26559593 (cited by Labcorp Genetics (formerly Invitae), Labcorp).